The following is an entry in ClinVar:

NM_012082.4(ZFPM2):c.268C>A (p.Pro90Thr)

Gene: ZFPM2 (zinc finger protein, FOG family member 2; plus strand). Cytogenetic location: 8q23.1.
Variant type: single nucleotide variant.
Coding change: c.268C>A on transcript NM_012082.4 (MANE Select); coding-DNA position 268, C replaced by A.
Protein change: p.Pro90Thr; replaces proline 90 with threonine.
Molecular consequence: missense variant. On other transcripts: 5 prime UTR variant (1).
Genome position (GRCh38, 1-based): chr8:105,444,348, C>A. VCF-style: chr8-105444348-C-A. GRCh37 (hg19) VCF-style: chr8-106456576-C-A.
Other names: c.109C>A, p.Pro37Thr (NM_001362836.2); c.-129C>A (NM_001362837.2); short protein forms P37T, P90T.
Identifiers: ClinVar variation 4806001 (VCV004806001.1).
Genomic context (GRCh38, chr8:105,444,348, plus strand): 5'-GAAGGAATCCAGGAGACAGCAGAATCAGATGGGGACACACAGTCAGAGAAACCGGGGCAA[C>A]CTGGAGTTGAGACAGACGACTGGGATGGACCAGGTAGGGGAGAATATTTAAAATTCAACC-3'
Protein context (NP_036214.2, residues 80-100): GDTQSEKPGQ[Pro90Thr]GVETDDWDGP

ClinVar aggregate classification (germline): Uncertain significance (1 of 4 stars; one submission).

Conditions:
46,XY sex reversal 9 (SRXY9). Also called: 46,XY SEX REVERSAL, ZFPM2-RELATED. Identifiers: Orphanet 251510, MedGen C4015129, MONDO:0014480, OMIM 616067.

gnomAD v4.1: 61 of 1,612,294 alleles (0.0038%); highest among the groups gnomAD compares: South Asian, 0.06%; 1 homozygote.

Submission:

Labcorp Genetics (formerly Invitae), Labcorp
Classification: Uncertain significance for 46,XY sex reversal 9. Last evaluated: 2025-09-03. Review status: criteria provided, single submitter. Criteria: Invitae Variant Classification Sherloc (09022015). Collection method: clinical testing. Allele origin: germline.
Comment: This sequence change replaces proline, which is neutral and non-polar, with threonine, which is neutral and polar, at codon 90 of the ZFPM2 protein (p.Pro90Thr). This variant is present in population databases (rs578053386, gnomAD 0.06%), and has an allele count higher than expected for a pathogenic variant. This variant has not been reported in the literature in individuals affected with ZFPM2-related conditions. An algorithm developed to predict the effect of missense changes on protein structure and function (PolyPhen-2) suggests that this variant is likely to be tolerated. In summary, the available evidence is currently insufficient to determine the role of this variant in disease. Therefore, it has been classified as a Variant of Uncertain Significance.